The following is an entry in ClinVar:

NM_014956.5(CEP164):c.1062A>C (p.Ala354=)

Gene: CEP164 (centrosomal protein 164; plus strand). Cytogenetic location: 11q23.3.
Variant type: single nucleotide variant.
Coding change: c.1062A>C on transcript NM_014956.5 (MANE Select); coding-DNA position 1062, A replaced by C.
Protein change: p.Ala354=; no amino-acid change (alanine 354 retained).
Molecular consequence: synonymous variant.
Genome position (GRCh38, 1-based): chr11:117,371,376, A>C. VCF-style: chr11-117371376-A-C. GRCh37 (hg19) VCF-style: chr11-117242092-A-C.
Other names: c.984A>C, p.Ala328= (NM_001440992.1, NM_001440952.1, NM_001440954.1 and 17 more transcripts); c.1062A>C, p.Ala354= (NM_001271933.2, NM_001440949.1, NM_001440950.1 and 16 more transcripts); c.924A>C, p.Ala308= (NM_001440960.1).
Identifiers: ClinVar variation 4991634 (VCV004991634.1).

ClinVar aggregate classification (germline): Likely benign (1 of 4 stars; one submission).

Conditions:
CEP164-related disorder. Also called: CEP164-related condition.

Submission:

PreventionGenetics, part of Exact Sciences
Classification: Likely benign for CEP164-related condition. Last evaluated: 2026-03-31. Review status: criteria provided, single submitter. Criteria: ACMG Guidelines, 2015. Collection method: clinical testing. Allele origin: germline.
Comment: This variant is classified as likely benign based on ACMG/AMP sequence variant interpretation guidelines (Richards et al. 2015 PMID: 25741868, with internal and published modifications).